The following is an entry in ClinVar:

NM_001384732.1(CPLANE1):c.7533+3A>T

Gene: CPLANE1 (ciliogenesis and planar polarity effector complex subunit 1; minus strand). Cytogenetic location: 5p13.2.
Variant type: single nucleotide variant.
Coding change: c.7533+3A>T on transcript NM_001384732.1 (MANE Select); 3 bases into the intron after coding-DNA position 7533, A replaced by T.
Molecular consequence: intron variant.
Genome position (GRCh38, 1-based): chr5:37,165,536, T>A on the plus strand (A>T on the coding strand, the complement: CPLANE1 is on the minus strand). VCF-style: chr5-37165536-T-A. GRCh37 (hg19) VCF-style: chr5-37165638-T-A.
Other names: c.7533+3A>T (NM_023073.4).
Identifiers: ClinVar variation 1384572 (VCV001384572.6), dbSNP rs1778020446, ClinGen allele CA2573139638.

ClinVar aggregate classification (germline): Uncertain significance (1 of 4 stars; one submission).

Submission:

Labcorp Genetics (formerly Invitae), Labcorp
Classification: Uncertain significance. Last evaluated: 2021-10-04. Review status: criteria provided, single submitter. Criteria: Invitae Variant Classification Sherloc (09022015). Collection method: clinical testing. Allele origin: germline.
Comment: This sequence change falls in intron 36 of the CPLANE1 gene. It does not directly change the encoded amino acid sequence of the CPLANE1 protein. It affects a nucleotide within the consensus splice site. This variant is not present in population databases (ExAC no frequency). This variant has not been reported in the literature in individuals affected with CPLANE1-related conditions. Variants that disrupt the consensus splice site are a relatively common cause of aberrant splicing (PMID: 17576681, 9536098). Algorithms developed to predict the effect of sequence changes on RNA splicing suggest that this variant may disrupt the consensus splice site. In summary, the available evidence is currently insufficient to determine the role of this variant in disease. Therefore, it has been classified as a Variant of Uncertain Significance.

Literature cited by the submitters: PubMed 17576681; PubMed 9536098.